The following is an entry in ClinVar:

NM_032043.3(BRIP1):c.*6C>G

Gene: BRIP1 (BRCA1 interacting DNA helicase 1; minus strand). Cytogenetic location: 17q23.2.
Variant type: single nucleotide variant.
Coding change: c.*6C>G on transcript NM_032043.3 (MANE Select); 6 bases downstream of the stop codon, C replaced by G.
Molecular consequence: 3 prime UTR variant.
Genome position (GRCh38, 1-based): chr17:61,683,290, G>C on the plus strand (C>G on the coding strand, the complement: BRIP1 is on the minus strand). VCF-style: chr17-61683290-G-C. GRCh37 (hg19) VCF-style: chr17-59760651-G-C.
Identifiers: ClinVar variation 629377 (VCV000629377.4), dbSNP rs1567727060, ClinGen allele CA913187792.

ClinVar aggregate classification (germline): Conflicting classifications of pathogenicity. Review status: criteria provided, conflicting classifications (1 of 4 stars). 2 submissions from 2 submitters: Uncertain significance (1); Benign (1). Last evaluated 2024-09-25.

Conditions:
Hereditary cancer-predisposing syndrome. Also called: Neoplastic Syndromes, Hereditary; Tumor predisposition; Hereditary neoplastic syndrome; Hereditary Cancer Syndrome. Identifiers: Orphanet 140162, MedGen C0027672, MeSH D009386, MONDO:0015356.
Familial cancer of breast. Also called: BREAST CANCER, FAMILIAL; Hereditary breast cancer; hereditary breast carcinoma. Identifiers: Orphanet 227535, MedGen C0346153, MONDO:0016419, OMIM 114480. Disease mechanism: loss of function.

Submissions (2):

Myriad Genetics, Inc.
Classification: Benign for Familial cancer of breast. Last evaluated: 2024-09-25. Review status: criteria provided, single submitter. Criteria: Myriad Autosomal Dominant, Autosomal Recessive and X-Linked Classification Criteria (2023). Collection method: clinical testing. Allele origin: unknown.
Comment: This variant is considered benign. This variant occurs in the non-coding 3' untranslated region of the gene, and is not expected to impact protein function.

Color Diagnostics, LLC DBA Color Health
Classification: Uncertain significance for Hereditary cancer-predisposing syndrome. Last evaluated: 2019-05-02. Review status: criteria provided, single submitter. Criteria: ACMG Guidelines, 2015. Collection method: clinical testing. Allele origin: germline.